The following is an entry in ClinVar:

NM_000053.4(ATP7B):c.2625G>A (p.Gly875=)

Gene: ATP7B (ATPase copper transporting beta; minus strand). Cytogenetic location: 13q14.3.
Variant type: single nucleotide variant.
Coding change: c.2625G>A on transcript NM_000053.4 (MANE Select); coding-DNA position 2625, G replaced by A.
Protein change: p.Gly875=; no amino-acid change (glycine 875 retained).
Molecular consequence: synonymous variant.
Genome position (GRCh38, 1-based): chr13:51,950,112, C>T on the plus strand (G>A on the coding strand, the complement: ATP7B is on the minus strand). VCF-style: chr13-51950112-C-T. GRCh37 (hg19) VCF-style: chr13-52524248-C-T.
Other names: c.2139G>A, p.Gly713= (NM_001005918.3); c.2292G>A, p.Gly764= (NM_001243182.2); c.2391G>A, p.Gly797= (NM_001330578.2); c.2373G>A, p.Gly791= (NM_001330579.2).
Identifiers: ClinVar variation 1128215 (VCV001128215.15), dbSNP rs1052834834, ClinGen allele CA250085245.

ClinVar aggregate classification (germline): Likely benign. Review status: criteria provided, multiple submitters, no conflicts (2 of 4 stars). 6 submissions from 6 submitters: Likely benign (6). Last evaluated 2026-01-26.

Conditions:
Inborn genetic diseases. Identifiers: MedGen C0950123, MeSH D030342.
Wilson disease (WND). Also called: Wilson's disease. Identifiers: Orphanet 905, MedGen C0019202, MONDO:0010200, OMIM 277900. Disease mechanism: loss of function.
ATP7B-related disorder. Also called: ATP7B-related condition.

Allele frequency attached by ClinVar (database versions not stated): gnomAD 0.00001; TOPMed 0.00007.

Submissions (6):

PreventionGenetics, part of Exact Sciences
Classification: Likely benign for ATP7B-related condition. Last evaluated: 2026-01-26. Review status: criteria provided, single submitter. Criteria: ACMG Guidelines, 2015. Collection method: clinical testing. Allele origin: germline.
Comment: This variant is classified as likely benign based on ACMG/AMP sequence variant interpretation guidelines (Richards et al. 2015 PMID: 25741868, with internal and published modifications).

Labcorp Genetics (formerly Invitae), Labcorp
Classification: Likely benign for Wilson disease. Last evaluated: 2026-01-19. Review status: criteria provided, single submitter. Criteria: Invitae Variant Classification Sherloc (09022015). Collection method: clinical testing. Allele origin: germline.

Women's Health and Genetics/Laboratory Corporation of America, LabCorp
Classification: Likely benign. Last evaluated: 2024-12-06. Review status: criteria provided, single submitter. Criteria: LabCorp Variant Classification Summary - May 2015. Collection method: clinical testing. Allele origin: germline.

All of Us Research Program, National Institutes of Health
Classification: Likely benign for Wilson disease. Last evaluated: 2024-07-29. Review status: criteria provided, single submitter. Criteria: ACMG Guidelines, 2015. Collection method: clinical testing. Allele origin: germline. Inheritance: Autosomal recessive inheritance. Observed: 6 variant alleles, 6 heterozygotes.
Comment: This study involves interpretation of variants in research participants for the purpose of population health screening. Participant phenotype was not available at the time of variant classification. Additional details can be found in publication PMID: 35346344, PMCID: PMC8962531

Ambry Genetics
Classification: Likely benign for Inborn genetic diseases. Last evaluated: 2022-08-07. Review status: criteria provided, single submitter. Criteria: Ambry Variant Classification Scheme 2023. Collection method: clinical testing. Allele origin: germline.

Color Diagnostics, LLC DBA Color Health
Classification: Likely benign for Wilson disease. Last evaluated: 2022-04-22. Review status: criteria provided, single submitter. Criteria: ACMG Guidelines, 2015. Collection method: clinical testing. Allele origin: germline.